The following is an entry in ClinVar:

ClinVar aggregate classification (germline): Conflicting classifications of pathogenicity. Review status: criteria provided, conflicting classifications (1 of 4 stars). 4 submissions from 4 submitters: Uncertain significance (1); Likely benign (3). Last evaluated 2026-09-01.

Conditions:
Cardiovascular phenotype. Identifiers: MedGen CN230736.
Long QT syndrome (LQTS). Identifiers: MedGen C0023976, MeSH D008133, MONDO:0002442. Disease mechanism: loss of function. Inheritance: Various modes of inheritance.

Allele frequency attached by ClinVar (database versions not stated): TOPMed 0.00002; gnomAD exomes 0.00004; ExAC 0.00006.
gnomAD v4.1: 29 of 1,614,034 alleles (0.0018%); highest among the groups gnomAD compares: Non-Finnish European, 0.0024%; no homozygotes.

Submissions (4):

CeGaT Center for Human Genetics Tuebingen
Classification: Likely benign. Last evaluated: 2026-09-01. Review status: criteria provided, single submitter. Criteria: CeGaT Center For Human Genetics Tuebingen Variant Classification Criteria Version 2. Collection method: clinical testing. Allele origin: germline. Affected: yes. Observed: 1 variant allele.
Comment: ANK2: BP4

Labcorp Genetics (formerly Invitae), Labcorp
Classification: Uncertain significance for Long QT syndrome. Last evaluated: 2025-12-20. Review status: criteria provided, single submitter. Criteria: Invitae Variant Classification Sherloc (09022015). Collection method: clinical testing. Allele origin: germline.
Comment: This sequence change replaces histidine, which is basic and polar, with glutamine, which is neutral and polar, at codon 2486 of the ANK2 protein (p.His2486Gln). This variant is present in population databases (rs776972443, gnomAD 0.01%). This variant has not been reported in the literature in individuals affected with ANK2-related conditions. ClinVar contains an entry for this variant (Variation ID: 222502). An algorithm developed to predict the effect of missense changes on protein structure and function outputs the following: PolyPhen-2: "Benign". The glutamine amino acid residue is found in multiple mammalian species, which suggests that this missense change does not adversely affect protein function. In summary, the available evidence is currently insufficient to determine the role of this variant in disease. Therefore, it has been classified as a Variant of Uncertain Significance.

Blueprint Genetics
Classification: Likely benign. Last evaluated: 2024-11-17. Review status: criteria provided, single submitter. Criteria: ACMG Guidelines, 2015. Collection method: clinical testing. Allele origin: germline.

Ambry Genetics
Classification: Likely benign for Cardiovascular phenotype. Last evaluated: 2024-01-23. Review status: criteria provided, single submitter. Criteria: Ambry Variant Classification Scheme 2023. Collection method: clinical testing. Allele origin: germline.

Literature cited by the submitters: PubMed 36413997 (cited by Ambry Genetics).

NM_001148.6(ANK2):c.7458C>G (p.His2486Gln)

Genes: ANK2 (ankyrin 2; plus strand), LOC126807137 (CDK7 strongly-dependent group 2 enhancer GRCh37_chr4:114276560-114277759; plus strand). Cytogenetic location: 4q26.
Variant type: single nucleotide variant.
Coding change: c.7458C>G on transcript NM_001148.6 (MANE Select); coding-DNA position 7458, C replaced by G.
Protein change: p.His2486Gln; replaces histidine 2486 with glutamine.
Molecular consequence: missense variant. On other transcripts: intron variant (68).
Genome position (GRCh38, 1-based): chr4:113,356,076, C>G. VCF-style: chr4-113356076-C-G. GRCh37 (hg19) VCF-style: chr4-114277232-C-G.
Other names: c.7224C>G, p.His2408Gln (NM_001386142.1); c.3858C>G, p.His1286Gln (NM_001386166.1); c.7599C>G, p.His2533Gln (NM_001386174.1); c.7575C>G, p.His2525Gln (NM_001386175.1); c.4412-4747C>G (NM_001386186.2, NM_001386148.2); c.4214-4747C>G (NM_001354269.3); c.4292-4747C>G (NM_001386187.2); c.4253-4747C>G (NM_001386147.1); and 35 more; short protein forms H2486Q, H1286Q, H2408Q, H2525Q, H2533Q.
Identifiers: ClinVar variation 222502 (VCV000222502.12), dbSNP rs776972443, ClinGen allele CA070420.
Genomic context (GRCh38, chr4:113,356,076, plus strand): 5'-TGACTCTCTGGAAAGCAGCCCTGTTGAACCAAAGATGAAGGCTGGAATTTTTCCAAGTCA[C>G]TTTCCTCTTCCTGCAGCTGTTGCCAAAACAGAACTCTTGACGGAAGTGGCCTCTGTGCGG-3'
Protein context (NP_001139.3, residues 2476-2496): PKMKAGIFPS[His2486Gln]FPLPAAVAKT